The following is an entry in ClinVar:

NM_152263.4(TPM3):c.272G>C (p.Arg91Pro)

Gene: TPM3 (tropomyosin 3; minus strand). Cytogenetic location: 1q21.3.
Variant type: single nucleotide variant.
Coding change: c.272G>C on transcript NM_152263.4 (MANE Select); coding-DNA position 272, G replaced by C.
Protein change: p.Arg91Pro; replaces arginine 91 with proline.
Molecular consequence: missense variant. On other transcripts: 5 prime UTR variant (1), non-coding transcript variant (1), intron variant (1).
Genome position (GRCh38, 1-based): chr1:154,176,220, C>G on the plus strand (G>C on the coding strand, the complement: TPM3 is on the minus strand). VCF-style: chr1-154176220-C-G. GRCh37 (hg19) VCF-style: chr1-154148696-C-G.
Other names: c.161G>C, p.Arg54Pro (NM_001043351.2, NM_001043352.2, NM_001043353.2 and 5 more transcripts); c.-110G>C (NM_001278191.2); c.272G>C, p.Arg91Pro (NM_001364679.2, NM_001364680.2, NM_001364681.2 and 1 more transcripts); c.69-3019G>C (NM_001278188.2); short protein forms R54P, R91P.
Identifiers: ClinVar variation 42114 (VCV000042114.11), dbSNP rs199474713, ClinGen allele CA232676.

ClinVar aggregate classification (germline): Pathogenic. Review status: criteria provided, single submitter (1 of 4 stars). 3 submissions from 3 submitters: Pathogenic (1). 2 of the submissions do not count toward it. Last evaluated 2025-06-01.

Conditions:
Congenital myopathy with fiber type disproportion. Also called: Congenital fiber-type disproportion myopathy; Congenital fiber-type disproportion. Identifiers: Orphanet 2020, MedGen C0546264, MONDO:0009711. Inheritance: all.

Submissions (3):

CeGaT Center for Human Genetics Tuebingen
Classification: Pathogenic. Last evaluated: 2025-06-01. Review status: criteria provided, single submitter. Criteria: CeGaT Center For Human Genetics Tuebingen Variant Classification Criteria Version 2. Collection method: clinical testing. Allele origin: germline. Affected: yes. Observed: 1 variant allele.
Comment: TPM3: PM1, PM2, PM5, PS4:Moderate, PP2, PP3, PS3:Supporting

GeneReviews
No classification provided. Condition: Congenital myopathy with fiber type disproportion. Review status: no classification provided. Collection method: literature only. Allele origin: unknown. Not counted in ClinVar's aggregate classification.

TPM3 homepage - Leiden Muscular Dystrophy pages
No classification provided. Review status: no classification provided. Collection method: not provided. Allele origin: not provided. Not counted in ClinVar's aggregate classification.

Literature cited by the submitters: PubMed 19953533 (cited by GeneReviews); PubMed 20301436 (cited by GeneReviews); NCBI Bookshelf NBK1259 (cited by GeneReviews).